The following is an entry in ClinVar:

NM_018077.3(RBM28):c.457del (p.Met153fs)

Gene: RBM28 (RNA binding motif protein 28; minus strand). Cytogenetic location: 7q32.1.
Variant type: Deletion.
Coding change: c.457del on transcript NM_018077.3 (MANE Select); coding-DNA position 457, one base deleted (A; older notation c.457delA).
Protein change: p.Met153fs; shifts the reading frame from methionine 153.
Molecular consequence: frameshift variant. On other transcripts: intron variant (1).
Genome position (GRCh38, 1-based): chr7:128,338,334, T deleted on the plus strand (A on the coding strand, the reverse complement: RBM28 is on the minus strand). VCF-style (leftmost placement, unchanged base first): chr7-128338333-AT-A. GRCh37 (hg19) VCF-style: chr7-127978387-AT-A.
Other names: c.119-1132del (NM_001166135.2); short protein forms M153fs.
Identifiers: ClinVar variation 2657985 (VCV002657985.24), dbSNP rs756743373, ClinGen allele CA4470322.

ClinVar aggregate classification (germline): Uncertain significance (1 of 4 stars; one submission).

Allele frequency attached by ClinVar (database versions not stated): gnomAD 0.00001; ExAC 0.00011; 1000 Genomes Project 30x 0.00047; gnomAD exomes 0.00003.

Submission:

CeGaT Center for Human Genetics Tuebingen
Classification: Uncertain significance. Last evaluated: 2023-03-01. Review status: criteria provided, single submitter. Criteria: CeGaT Center For Human Genetics Tuebingen Variant Classification Criteria Version 2. Collection method: clinical testing. Allele origin: germline. Affected: yes. Observed: 1 variant allele.
Comment: RBM28: PM2, PP4